The following is an entry in ClinVar:

NM_020937.4(FANCM):c.2800A>T (p.Thr934Ser)

Gene: FANCM (FA complementation group M; plus strand). Cytogenetic location: 14q21.2.
Variant type: single nucleotide variant.
Coding change: c.2800A>T on transcript NM_020937.4 (MANE Select); coding-DNA position 2800, A replaced by T.
Protein change: p.Thr934Ser; replaces threonine 934 with serine.
Molecular consequence: missense variant.
Genome position (GRCh38, 1-based): chr14:45,175,554, A>T. VCF-style: chr14-45175554-A-T. GRCh37 (hg19) VCF-style: chr14-45644757-A-T.
Other names: c.2722A>T, p.Thr908Ser (NM_001308133.2); short protein forms T908S, T934S.
Identifiers: ClinVar variation 1310393 (VCV001310393.3), dbSNP rs1888621048, ClinGen allele CA389599206.
Genomic context (GRCh38, chr14:45,175,554, plus strand): 5'-GAAAATGTTATTAAAGAACCGTGTGTGTTATTAACAGAGTGTCAGTTTACAAATAAATCC[A>T]CTAGTTCACTTGCTGGAAATGTTTTAGATTCTGGTTATAACAGTTTCAATGATGAAAAAT-3'
Protein context (NP_065988.1, residues 924-944): LTECQFTNKS[Thr934Ser]SSLAGNVLDS

ClinVar aggregate classification (germline): Uncertain significance. Review status: criteria provided, multiple submitters, no conflicts (2 of 4 stars). 2 submissions from 2 submitters: Uncertain significance (2). Last evaluated 2025-08-24.

Conditions:
Inborn genetic diseases. Identifiers: MedGen C0950123, MeSH D030342.

Submissions (2):

Ambry Genetics
Classification: Uncertain significance for Inborn genetic diseases. Last evaluated: 2025-08-24. Review status: criteria provided, single submitter. Criteria: Ambry Variant Classification Scheme 2023. Collection method: clinical testing. Allele origin: germline.
Comment: The p.T934S variant (also known as c.2800A>T), located in coding exon 14 of the FANCM gene, results from an A to T substitution at nucleotide position 2800. The threonine at codon 934 is replaced by serine, an amino acid with similar properties. This amino acid position is conserved. In addition, this alteration is predicted to be tolerated by in silico analysis. Based on the available evidence, the clinical significance of this variant remains unclear.

GeneDx
Classification: Uncertain significance. Last evaluated: 2019-11-12. Review status: criteria provided, single submitter. Criteria: GeneDx Variant Classification Process June 2021. Collection method: clinical testing. Allele origin: germline. Affected: yes.
Comment: Not observed in large population cohorts (Lek et al., 2016); In silico analysis, which includes protein predictors and evolutionary conservation, supports that this variant does not alter protein structure/function; Has not been previously published as pathogenic or benign to our knowledge